The following is an entry in ClinVar:

ClinVar aggregate classification (germline): Likely benign (0 of 4 stars; one submission).

Conditions:
MYO9A-related disorder. Also called: MYO9A-related condition.

Allele frequency attached by ClinVar (database versions not stated): TOPMed 0.00004; gnomAD 0.00007; gnomAD exomes 0.00011; ExAC 0.00021.
gnomAD v4.1: 169 of 1,614,030 alleles (0.01%); highest among the groups gnomAD compares: Middle Eastern, 0.13%; no homozygotes.

Submission:

PreventionGenetics, part of Exact Sciences
Classification: Likely benign for MYO9A-related condition. Last evaluated: 2019-05-24. Review status: no assertion criteria provided. Collection method: clinical testing. Allele origin: germline.
Comment: This variant is classified as likely benign based on ACMG/AMP sequence variant interpretation guidelines (Richards et al. 2015 PMID: 25741868, with internal and published modifications).

NM_006901.4(MYO9A):c.5445C>T (p.Pro1815=)

Gene: MYO9A (myosin IXA; minus strand). Cytogenetic location: 15q23.
Variant type: single nucleotide variant.
Coding change: c.5445C>T on transcript NM_006901.4 (MANE Select); coding-DNA position 5445, C replaced by T.
Protein change: p.Pro1815=; no amino-acid change (proline 1815 retained).
Molecular consequence: synonymous variant.
Genome position (GRCh38, 1-based): chr15:71,880,512, G>A on the plus strand (C>T on the coding strand, the complement: MYO9A is on the minus strand). VCF-style: chr15-71880512-G-A. GRCh37 (hg19) VCF-style: chr15-72172853-G-A.
Identifiers: ClinVar variation 3044933 (VCV003044933.2), dbSNP rs371507119, ClinGen allele CA7641153.
Genomic context (GRCh38, chr15:71,880,512, plus strand): 5'-CTTGCGCTTAGCCTTTGGAGAAGGTTCTTTGTTCTCTTTGAATTCCTTCCGGCAACTGCC[G>A]GGCAGTTCTGGGCTCAAAGGAGGTGTTGGGTGATATGCAGCTAATTCTACAATTCAAGAT-3'
Protein context (NP_008832.2, residues 1805-1825): HPTPPLSPEL[Pro1815=]GSCRKEFKEN